The following is an entry in ClinVar:

ClinVar aggregate classification (germline): Uncertain significance. Review status: criteria provided, multiple submitters, no conflicts (2 of 4 stars). 3 submissions from 3 submitters: Uncertain significance (3). Last evaluated 2025-06-17.

Conditions:
Perlman syndrome (PRLMNS). Identifiers: Orphanet 2849, MedGen C0796113, MONDO:0009965, OMIM 267000.

Allele frequency attached by ClinVar (database versions not stated): gnomAD exomes 0.00002; ExAC 0.00003; TOPMed 0.00005; gnomAD 0.00006.
gnomAD v4.1: 38 of 1,613,568 alleles (0.0024%); highest among the groups gnomAD compares: East Asian, 0.0067%; no homozygotes.

Submissions (3):

St. Jude Molecular Pathology, St. Jude Children's Research Hospital
Classification: Uncertain significance for Perlman syndrome. Last evaluated: 2025-06-17. Review status: criteria provided, single submitter. Criteria: St. Jude Assertion Criteria 2020. Collection method: clinical testing. Allele origin: germline.
Comment: The DIS3L2 c.2188G>A p.(Asp730Asn) missense change has a maximum subpopulation frequency of 0.01% in gnomAD v2.1.1. The in silico tool REVEL predicts a benign effect on protein function, but to our knowledge these predictions have not been confirmed by functional studies. To our knowledge, this variant has not been reported in individuals with Perlman syndrome. In summary, the evidence currently available is insufficient to determine the clinical significance of this variant. It has therefore been classified as of uncertain significance.

Labcorp Genetics (formerly Invitae), Labcorp
Classification: Uncertain significance for Perlman syndrome. Last evaluated: 2024-12-28. Review status: criteria provided, single submitter. Criteria: Invitae Variant Classification Sherloc (09022015). Collection method: clinical testing. Allele origin: germline.
Comment: This sequence change replaces aspartic acid, which is acidic and polar, with asparagine, which is neutral and polar, at codon 730 of the DIS3L2 protein (p.Asp730Asn). This variant is present in population databases (rs753140921, gnomAD 0.01%). This variant has not been reported in the literature in individuals affected with DIS3L2-related conditions. ClinVar contains an entry for this variant (Variation ID: 856824). Invitae Evidence Modeling of protein sequence and biophysical properties (such as structural, functional, and spatial information, amino acid conservation, physicochemical variation, residue mobility, and thermodynamic stability) indicates that this missense variant is not expected to disrupt DIS3L2 protein function with a negative predictive value of 80%. In summary, the available evidence is currently insufficient to determine the role of this variant in disease. Therefore, it has been classified as a Variant of Uncertain Significance.

Baylor Genetics
Classification: Uncertain significance for Perlman syndrome. Last evaluated: 2021-01-30. Review status: criteria provided, single submitter. Criteria: ACMG Guidelines, 2015. Collection method: clinical testing. Allele origin: unknown. Affected: yes. Study: CSER-TexasKidsCanSeq.
Comment: This variant was determined to be of uncertain significance according to ACMG Guidelines, 2015 [PMID:25741868].

NM_152383.5(DIS3L2):c.2188G>A (p.Asp730Asn)

Gene: DIS3L2 (DIS3 like 3'-5' exoribonuclease 2; plus strand). Cytogenetic location: 2q37.1.
Variant type: single nucleotide variant.
Coding change: c.2188G>A on transcript NM_152383.5 (MANE Select); coding-DNA position 2188, G replaced by A.
Protein change: p.Asp730Asn; replaces aspartic acid 730 with asparagine.
Molecular consequence: missense variant. On other transcripts: non-coding transcript variant (2), intron variant (1).
Genome position (GRCh38, 1-based): chr2:232,334,398, G>A. VCF-style: chr2-232334398-G-A. GRCh37 (hg19) VCF-style: chr2-233199108-G-A.
Other names: c.1582-8947G>A (NM_001257281.2); short protein forms D730N.
Identifiers: ClinVar variation 856824 (VCV000856824.10), dbSNP rs753140921, ClinGen allele CA2164442.